The following is an entry in ClinVar:

NM_024301.5(FKRP):c.846G>C (p.Gly282=)

Gene: FKRP (fukutin related protein; plus strand). Cytogenetic location: 19q13.32.
Variant type: single nucleotide variant.
Coding change: c.846G>C on transcript NM_024301.5 (MANE Select); coding-DNA position 846, G replaced by C.
Protein change: p.Gly282=; no amino-acid change (glycine 282 retained).
Molecular consequence: synonymous variant.
Genome position (GRCh38, 1-based): chr19:46,756,296, G>C. VCF-style: chr19-46756296-G-C. GRCh37 (hg19) VCF-style: chr19-47259553-G-C.
Other names: c.846G>C (NM_024301.4); c.846G>C, p.Gly282= (NM_001039885.3).
Identifiers: ClinVar variation 2109811 (VCV002109811.7), dbSNP rs2513993125, ClinGen allele CA507976264.

ClinVar aggregate classification (germline): Likely benign. Review status: criteria provided, multiple submitters, no conflicts (2 of 4 stars). 3 submissions from 3 submitters: Likely benign (2). 1 of the submissions does not count toward it. Last evaluated 2026-04-01.

Conditions:
Walker-Warburg congenital muscular dystrophy. Also called: Muscular dystrophy-dystroglycanopathy, type A; Walker-Warburg syndrome. Identifiers: Orphanet 899, MedGen C0265221, MONDO:0000171.
Autosomal recessive limb-girdle muscular dystrophy type 2I. Also called: MUSCULAR DYSTROPHY-DYSTROGLYCANOPATHY, LIMB-GIRDLE, FRKP-RELATED; MUSCULAR DYSTROPHY-DYSTROGLYCANOPATHY (LIMB-GIRDLE), TYPE C, 5; MUSCULAR DYSTROPHY, LIMB-GIRDLE, TYPE 2I. Identifiers: Orphanet 34515, MedGen C1846672, MONDO:0011787, OMIM 607155.

Submissions (3):

CeGaT Center for Human Genetics Tuebingen
Classification: Likely benign. Last evaluated: 2026-04-01. Review status: criteria provided, single submitter. Criteria: CeGaT Center For Human Genetics Tuebingen Variant Classification Criteria Version 2. Collection method: clinical testing. Allele origin: germline. Affected: yes. Observed: 1 variant allele.
Comment: FKRP: BP4, BP7

Labcorp Genetics (formerly Invitae), Labcorp
Classification: Likely benign for Walker-Warburg congenital muscular dystrophy. Last evaluated: 2022-03-12. Review status: criteria provided, single submitter. Criteria: Invitae Variant Classification Sherloc (09022015). Collection method: clinical testing. Allele origin: germline.

Natera, Inc.
Classification: Uncertain significance for Limb-girdle muscular dystrophy type 2I. Last evaluated: 2025-03-31. Review status: no assertion criteria provided. Collection method: clinical testing. Allele origin: germline. Not counted in ClinVar's aggregate classification.